The following is an entry in ClinVar:

NM_001606.5(ABCA2):c.801T>G (p.Ala267=)

Gene: ABCA2 (ATP binding cassette subfamily A member 2; minus strand). Cytogenetic location: 9q34.3.
Variant type: single nucleotide variant.
Coding change: c.801T>G on transcript NM_001606.5 (MANE Select); coding-DNA position 801, T replaced by G.
Protein change: p.Ala267=; no amino-acid change (alanine 267 retained).
Molecular consequence: synonymous variant.
Genome position (GRCh38, 1-based): chr9:137,021,488, A>C on the plus strand (T>G on the coding strand, the complement: ABCA2 is on the minus strand). VCF-style: chr9-137021488-A-C. GRCh37 (hg19) VCF-style: chr9-139915940-A-C.
Other names: c.798T>G, p.Ala266= (NM_001411042.1); c.891T>G, p.Ala297= (NM_212533.3).
Identifiers: ClinVar variation 3041634 (VCV003041634.2), dbSNP rs80138802, ClinGen allele CA5355664.
Genomic context (GRCh38, chr9:137,021,488, plus strand): 5'-GAGCTCAGCAGACAGCCCAGAGAAGCGCCTGGCACGCGCAGCAGCCTGCCCACTGCAGAC[A>C]GCATCCCGGTAGCCCTGCAGGGCTCCCTTCTGACTCTCAGGCACAGTGAGGATCCGGCCC-3'
Protein context (NP_001597.2, residues 257-277): QKGALQGYRD[Ala267=]VCSGQAAARA

ClinVar aggregate classification (germline): Benign (0 of 4 stars; one submission).

Conditions:
ABCA2-related disorder. Also called: ABCA2-related condition.

Allele frequency attached by ClinVar (database versions not stated): 1000 Genomes Project 30x 0.00953; 1000 Genomes Project 0.00958; gnomAD 0.01629; ESP Exome Variant Server 0.01762.
gnomAD v4.1: 36,790 of 1,611,188 alleles (2.3%); highest among the groups gnomAD compares: Non-Finnish European, 2.6%; 533 homozygotes.

Submission:

PreventionGenetics, part of Exact Sciences
Classification: Benign for ABCA2-related condition. Last evaluated: 2019-06-26. Review status: no assertion criteria provided. Collection method: clinical testing. Allele origin: germline.
Comment: This variant is classified as benign based on ACMG/AMP sequence variant interpretation guidelines (Richards et al. 2015 PMID: 25741868, with internal and published modifications).